The following is an entry in ClinVar:

ClinVar aggregate classification (germline): Benign/Likely benign. Review status: criteria provided, multiple submitters, no conflicts (2 of 4 stars). 5 submissions from 5 submitters: Benign (1); Likely benign (4). Last evaluated 2025-02-23.

Conditions:
Hereditary cancer-predisposing syndrome. Also called: Neoplastic Syndromes, Hereditary; Hereditary neoplastic syndrome; Tumor predisposition; Hereditary Cancer Syndrome. Identifiers: Orphanet 140162, MedGen C0027672, MeSH D009386, MONDO:0015356.
Hereditary diffuse gastric adenocarcinoma (HDGC). Also called: DIFFUSE GASTRIC AND LOBULAR BREAST CANCER SYNDROME. Identifiers: Orphanet 26106, MedGen C1708349, MONDO:0007648, OMIM 137215.

Submissions (5):

Color Diagnostics, LLC DBA Color Health
Classification: Likely benign for Hereditary cancer-predisposing syndrome. Last evaluated: 2025-02-23. Review status: criteria provided, single submitter. Criteria: ACMG Guidelines, 2015. Collection method: clinical testing. Allele origin: germline.

Myriad Genetics, Inc.
Classification: Benign for Hereditary diffuse gastric adenocarcinoma. Last evaluated: 2024-09-23. Review status: criteria provided, single submitter. Criteria: Myriad Autosomal Dominant, Autosomal Recessive and X-Linked Classification Criteria (2023). Collection method: clinical testing. Allele origin: unknown.
Comment: This variant is considered benign. This variant is a silent/synonymous amino acid change and it is not expected to impact splicing.

Labcorp Genetics (formerly Invitae), Labcorp
Classification: Likely benign for Hereditary diffuse gastric adenocarcinoma. Last evaluated: 2024-08-27. Review status: criteria provided, single submitter. Criteria: Invitae Variant Classification Sherloc (09022015). Collection method: clinical testing. Allele origin: germline.

GeneDx
Classification: Likely benign. Last evaluated: 2016-09-22. Review status: criteria provided, single submitter. Criteria: GeneDx Variant Classification (06012015). Collection method: clinical testing. Allele origin: germline. Affected: yes.
Comment: This variant is considered likely benign or benign based on one or more of the following criteria: it is a conservative change, it occurs at a poorly conserved position in the protein, it is predicted to be benign by multiple in silico algorithms, and/or has population frequency not consistent with disease.

Ambry Genetics
Classification: Likely benign for Hereditary cancer-predisposing syndrome. Last evaluated: 2016-08-16. Review status: criteria provided, single submitter. Criteria: Ambry Variant Classification Scheme 2023. Collection method: clinical testing. Allele origin: germline.

NM_004360.5(CDH1):c.2298C>T (p.Asp766=)

Gene: CDH1 (cadherin 1; plus strand). Cytogenetic location: 16q22.1.
Variant type: single nucleotide variant.
Coding change: c.2298C>T on transcript NM_004360.5 (MANE Select); coding-DNA position 2298, C replaced by T.
Protein change: p.Asp766=; no amino-acid change (aspartic acid 766 retained).
Molecular consequence: synonymous variant.
Genome position (GRCh38, 1-based): chr16:68,829,656, C>T. VCF-style: chr16-68829656-C-T. GRCh37 (hg19) VCF-style: chr16-68863559-C-T.
Other names: c.750C>T, p.Asp250= (NM_001317185.2); c.333C>T, p.Asp111= (NM_001317186.2); c.2115C>T, p.Asp705= (NM_001317184.2); c.2298C>T (LRG_301t1).
Identifiers: ClinVar variation 389557 (VCV000389557.16), dbSNP rs1057523470, ClinGen allele CA16607069.